The following is an entry in ClinVar:

NM_006493.4(CLN5):c.*155C>T

Gene: CLN5 (CLN5 lysosomal BMP synthase; plus strand). Cytogenetic location: 13q22.3.
Variant type: single nucleotide variant.
Coding change: c.*155C>T on transcript NM_006493.4 (MANE Select); 155 bases downstream of the stop codon, C replaced by T.
Molecular consequence: 3 prime UTR variant.
Genome position (GRCh38, 1-based): chr13:77,001,124, C>T. VCF-style: chr13-77001124-C-T. GRCh37 (hg19) VCF-style: chr13-77575259-C-T.
Other names: c.*155C>T (LRG_692t1); c.*681C>T (NM_001366624.2).
Identifiers: ClinVar variation 312430 (VCV000312430.9), dbSNP rs700365, ClinGen allele CA10634502.

ClinVar aggregate classification (germline): Benign/Likely benign. Review status: criteria provided, multiple submitters, no conflicts (2 of 4 stars). 3 submissions from 3 submitters: Benign (2); Likely benign (1). Last evaluated 2018-06-26.

Conditions:
Neuronal ceroid lipofuscinosis 5 (CLN5). Also called: CEROID LIPOFUSCINOSIS, NEURONAL, 5, VARIABLE AGE AT ONSET; Neuronal ceroid lipofuscinosis Finnish variant; NEURONAL CEROID LIPOFUSCINOSIS, LATE INFANTILE, FINNISH VARIANT; CLN5-Related Neuronal Ceroid-Lipofuscinosis. Identifiers: Orphanet 168491, Orphanet 228360, MedGen C1850442, MONDO:0009745, OMIM 256731.

Allele frequency attached by ClinVar (database versions not stated): gnomAD exomes 0.03035; gnomAD 0.08776 and 0.09182; TOPMed 0.10041; 1000 Genomes Project 0.11022; 1000 Genomes Project 30x 0.11305.
gnomAD v4.1: 27,941 of 626,314 alleles (4.5%); highest among the groups gnomAD compares: African/African-American, 25%; 2,090 homozygotes.

Submissions (3):

GeneDx
Classification: Benign. Last evaluated: 2018-06-26. Review status: criteria provided, single submitter. Criteria: GeneDx Variant Classification Process June 2021. Collection method: clinical testing. Allele origin: germline. Affected: yes.

Illumina Laboratory Services, Illumina
Classification: Benign for Neuronal ceroid lipofuscinosis 5. Last evaluated: 2018-01-13. Review status: criteria provided, single submitter. Criteria: ICSL Variant Classification Criteria 13 December 2019. Collection method: clinical testing. Allele origin: germline.
Comment: This variant was observed in the ICSL laboratory as part of a predisposition screen in an ostensibly healthy population. It had not been previously curated by ICSL or reported in the Human Gene Mutation Database (HGMD: prior to June 1st, 2018), and was therefore a candidate for classification through an automated scoring system. Utilizing variant allele frequency, disease prevalence and penetrance estimates, and inheritance mode, an automated score was calculated to assess if this variant is too frequent to cause the disease. Based on the score and internal cut-off values, a variant classified as benign is not then subjected to further curation. The score for this variant resulted in a classification of benign for this disease.

Breakthrough Genomics
Classification: Likely benign. Review status: criteria provided, single submitter. Criteria: ACMG Guidelines, 2015. Collection method: not provided. Allele origin: germline. Inheritance: Autosomal recessive inheritance. Affected: yes.